The following is an entry in ClinVar:

ClinVar aggregate classification (germline): Uncertain significance (1 of 4 stars; one submission).

Conditions:
Leigh syndrome (NULS). Also called: Leigh's necrotizing encephalopathy; Leigh's disease; Leigh Syndrome (mtDNA deletion); Leigh Disease; Subacute necrotizing encephalopathy; Necrotizing encephalopathy infantile subacute of Leigh. Identifiers: Orphanet 506, MedGen C2931891, MONDO:0009723, OMIM 256000.

Submission:

Wong Mito Lab, Molecular and Human Genetics, Baylor College of Medicine
Classification: Uncertain significance for Leigh syndrome. Last evaluated: 2019-10-17. Review status: criteria provided, single submitter. Criteria: Modified ACMG Guidelines (Unpublished). Collection method: clinical testing. Allele origin: germline.
Comment: The NC_012920.1:m.4513C>T (YP_003024027.1:p.Ala15Val) variant in MTND2 gene is interpretated to be a Uncertain Significance variant based on the modified ACMG guidelines (unpublished). This variant meets the following evidence codes: BP4

NC_012920.1(MT-ND2):m.4513C>T

Gene: MT-ND2 (mitochondrially encoded NADH dehydrogenase 2; plus strand).
Variant type: single nucleotide variant.
Genome position: chrM-4513-C-T.
Identifiers: ClinVar variation 692458 (VCV000692458.1), dbSNP rs1603219494, ClinGen allele CA414774635.